The following is an entry in ClinVar:

ClinVar aggregate classification (germline): Uncertain significance. Review status: criteria provided, multiple submitters, no conflicts (2 of 4 stars). 2 submissions from 2 submitters: Uncertain significance (2). Last evaluated 2024-07-17.

Conditions:
Cobalamin C disease. Also called: Methylmalonic aciduria with homocystinuria cblC type; Methylmalonic aciduria and homocystinuria, Vitamin B12-responsive; Vitamin B12 metabolic defect with combined deficiency of methylmalonyl-CoA mutase and homocysteine:methyltetrahydrofolate methyltransferase; Cobalamin-C methylmalonic acidemia and homocystinuria; Methylmalonic acidemia and homocystinuria cblC type; methylmalonic aciduria and homocystinuria type cblC. Identifiers: Orphanet 26, Orphanet 79282, MedGen C1848561, MONDO:0010184, OMIM 277400.

Submissions (2):

Mayo Clinic Laboratories, Mayo Clinic
Classification: Uncertain significance. Last evaluated: 2024-07-17. Review status: criteria provided, single submitter. Criteria: ACMG Guidelines, 2015. Collection method: clinical testing. Allele origin: germline. Observed: 1 variant allele.
Comment: PM2

Fulgent Genetics
Classification: Uncertain significance for Cobalamin C disease. Last evaluated: 2024-05-28. Review status: criteria provided, single submitter. Criteria: ACMG Guidelines, 2015. Collection method: clinical testing. Allele origin: germline.

NM_015506.3(MMACHC):c.611C>T (p.Thr204Ile)

Genes: MMACHC (metabolism of cobalamin associated C; plus strand), LOC129930446 (ATAC-STARR-seq lymphoblastoid active region 972; plus strand). Cytogenetic location: 1p34.1.
Variant type: single nucleotide variant.
Coding change: c.611C>T on transcript NM_015506.3 (MANE Select); coding-DNA position 611, C replaced by T.
Protein change: p.Thr204Ile; replaces threonine 204 with isoleucine.
Molecular consequence: missense variant.
Genome position (GRCh38, 1-based): chr1:45,508,977, C>T. VCF-style: chr1-45508977-C-T. GRCh37 (hg19) VCF-style: chr1-45974649-C-T.
Other names: p.Thr204Ile; c.440C>T, p.Thr147Ile (NM_001330540.2); short protein forms T147I, T204I.
Identifiers: ClinVar variation 3379667 (VCV003379667.2).